The following is an entry in ClinVar:

NM_001109878.2(TBX22):c.883T>C (p.Leu295=)

Gene: TBX22 (T-box transcription factor 22). Cytogenetic location: Xq21.1.
Variant type: single nucleotide variant.
Coding change: c.883T>C on transcript NM_001109878.2 (MANE Select); coding-DNA position 883, T replaced by C.
Protein change: p.Leu295=; no amino-acid change (leucine 295 retained).
Molecular consequence: synonymous variant.
Genome position (GRCh38, 1-based): chrX:80,028,010, T>C. VCF-style: chrX-80028010-T-C. GRCh37 (hg19) VCF-style: chrX-79283509-T-C.
Other names: c.523T>C, p.Leu175= (NM_001109879.2, NM_001303475.1); c.883T>C, p.Leu295= (NM_016954.2).
Identifiers: ClinVar variation 368668 (VCV000368668.7), dbSNP rs195293, ClinGen allele CA10461330.

ClinVar aggregate classification (germline): Benign. Review status: criteria provided, multiple submitters, no conflicts (2 of 4 stars). 3 submissions from 3 submitters: Benign (3). Last evaluated 2020-06-08.

Conditions:
Cleft palate with or without ankyloglossia, X-linked. Identifiers: Orphanet 324601, MedGen C1844830, MONDO:0010560, OMIM 303400.

Allele frequency attached by ClinVar (database versions not stated): gnomAD exomes 0.00954 and 0.02641; ExAC 0.03327; gnomAD 0.09327 and 0.09932; 1000 Genomes Project 0.10146; 1000 Genomes Project 30x 0.10593; TOPMed 0.10680; ESP Exome Variant Server 0.11578.
gnomAD v4.1: 21,433 of 1,208,588 alleles (1.8%); highest among the groups gnomAD compares: African/African-American, 33%; 2,343 homozygotes.

Submissions (3):

GeneDx
Classification: Benign. Last evaluated: 2020-06-08. Review status: criteria provided, single submitter. Criteria: GeneDx Variant Classification Process June 2021. Collection method: clinical testing. Allele origin: germline. Affected: yes.

Illumina Laboratory Services, Illumina
Classification: Benign for Cleft palate with or without ankyloglossia, X-linked. Last evaluated: 2018-01-13. Review status: criteria provided, single submitter. Criteria: ICSL Variant Classification Criteria 13 December 2019. Collection method: clinical testing. Allele origin: germline.
Comment: This variant was observed in the ICSL laboratory as part of a predisposition screen in an ostensibly healthy population. It had not been previously curated by ICSL or reported in the Human Gene Mutation Database (HGMD: prior to June 1st, 2018), and was therefore a candidate for classification through an automated scoring system. Utilizing variant allele frequency, disease prevalence and penetrance estimates, and inheritance mode, an automated score was calculated to assess if this variant is too frequent to cause the disease. Based on the score and internal cut-off values, a variant classified as benign is not then subjected to further curation. The score for this variant resulted in a classification of benign for this disease.

Breakthrough Genomics
Classification: Benign. Review status: criteria provided, single submitter. Criteria: ACMG Guidelines, 2015. Collection method: not provided. Allele origin: germline. Inheritance: X-linked inheritance. Affected: yes.